The following is an entry in ClinVar:

NM_002317.7(LOX):c.724G>T (p.Glu242Ter)

Genes: LOX (lysyl oxidase; minus strand), SRFBP1 (serum response factor binding protein 1; plus strand). Cytogenetic location: 5q23.1.
Variant type: single nucleotide variant.
Coding change: c.724G>T on transcript NM_002317.7 (MANE Select); coding-DNA position 724, G replaced by T.
Protein change: p.Glu242Ter; replaces glutamic acid 242 with a stop codon.
Molecular consequence: nonsense. On other transcripts: intron variant (1).
Genome position (GRCh38, 1-based): chr5:122,076,909, C>A on the plus strand (G>T on the coding strand, the complement: LOX is on the minus strand). VCF-style: chr5-122076909-C-A. GRCh37 (hg19) VCF-style: chr5-121412604-C-A.
Other names: c.34G>T, p.Glu12Ter (NM_001178102.2); c.-152+183G>T (NM_001317073.1); short protein forms E12*, E242*.
Identifiers: ClinVar variation 2767457 (VCV002767457.3), dbSNP rs2532914813, ClinGen allele CA360874854.

ClinVar aggregate classification (germline): Pathogenic (1 of 4 stars; one submission).

Submission:

Labcorp Genetics (formerly Invitae), Labcorp
Classification: Pathogenic. Last evaluated: 2023-11-18. Review status: criteria provided, single submitter. Criteria: Invitae Variant Classification Sherloc (09022015). Collection method: clinical testing. Allele origin: germline.
Comment: This sequence change creates a premature translational stop signal (p.Glu242*) in the LOX gene. It is expected to result in an absent or disrupted protein product. Loss-of-function variants in LOX are known to be pathogenic (PMID: 12417550, 26838787, 27432961). This variant is not present in population databases (gnomAD no frequency). This variant has not been reported in the literature in individuals affected with LOX-related conditions. For these reasons, this variant has been classified as Pathogenic.

Literature cited by the submitters: PubMed 12417550; PubMed 26838787; PubMed 27432961.